The following is an entry in ClinVar:

NC_000015.9:g.(?_77310861)_(77315342_?)del

Gene: PSTPIP1 (proline-serine-threonine phosphatase interacting protein 1; plus strand). Cytogenetic location: 15q24.3.
Variant type: Deletion.
Identifiers: ClinVar variation 2424803 (VCV002424803.4).

ClinVar aggregate classification (germline): Uncertain significance (1 of 4 stars; one submission).

Conditions:
Pyogenic arthritis-pyoderma gangrenosum-acne syndrome (PAPA). Also called: PAPA SYNDROME; FAMILIAL RECURRENT ARTHRITIS. Identifiers: Orphanet 69126, MedGen C1858361, MONDO:0011462, OMIM 604416.

Submission:

Labcorp Genetics (formerly Invitae), Labcorp
Classification: Uncertain significance for Pyogenic arthritis-pyoderma gangrenosum-acne syndrome. Last evaluated: 2022-02-16. Review status: criteria provided, single submitter. Criteria: Invitae Variant Classification Sherloc (09022015). Collection method: clinical testing. Allele origin: germline.
Comment: In summary, the available evidence is currently insufficient to determine the role of this variant in disease. Therefore, it has been classified as a Variant of Uncertain Significance. This variant has not been reported in the literature in individuals affected with PSTPIP1-related conditions. This variant results in the deletion of part of exon 3 (c.201_213-2283delins78) of the PSTPIP1 gene. It is expected to disrupt RNA splicing. Variants that disrupt the donor or acceptor splice site typically lead to a loss of protein function (PMID: 16199547), however the current clinical and genetic evidence is not sufficient to establish whether loss-of-function variants in PSTPIP1 cause disease.

Literature cited by the submitters: PubMed 16199547.